The following is an entry in ClinVar:

ClinVar aggregate classification (germline): Uncertain significance (1 of 4 stars; one submission).

gnomAD v4.1: 1 of 1,614,112 alleles (0.000062%); no homozygotes.

Submission:

GeneDx
Classification: Uncertain significance. Last evaluated: 2020-02-24. Review status: criteria provided, single submitter. Criteria: GeneDx Variant Classification Process June 2021. Collection method: clinical testing. Allele origin: germline. Affected: yes.
Comment: In silico analysis, which includes protein predictors and evolutionary conservation, supports that this variant does not alter protein structure/function; Has not been previously published as pathogenic or benign to our knowledge; Not observed in large population cohorts (Lek et al., 2016)

NM_020184.4(CNNM4):c.482T>C (p.Leu161Pro)

Gene: CNNM4 (cyclin and CBS domain divalent metal cation transport mediator 4; plus strand). Cytogenetic location: 2q11.2.
Variant type: single nucleotide variant.
Coding change: c.482T>C on transcript NM_020184.4 (MANE Select); coding-DNA position 482, T replaced by C.
Protein change: p.Leu161Pro; replaces leucine 161 with proline.
Molecular consequence: missense variant.
Genome position (GRCh38, 1-based): chr2:96,761,481, T>C. VCF-style: chr2-96761481-T-C. GRCh37 (hg19) VCF-style: chr2-97427218-T-C.
Other names: short protein forms L161P.
Identifiers: ClinVar variation 1304369 (VCV001304369.2), dbSNP rs2153341562, ClinGen allele CA347714006.
Genomic context (GRCh38, chr2:96,761,481, plus strand): 5'-GGAGCGAGAGCATGAAGCTGTATGCACTGTGCACCCGGGCCCAGCCCGACGGGCCCTGGC[T>C]GAAGTGGACGGACAAGGACTCACTGCTCTTCATGGTGGAGGAGCCTGGGAGGTTCCTGCC-3'
Protein context (NP_064569.3, residues 151-171): CTRAQPDGPW[Leu161Pro]KWTDKDSLLF